The following is an entry in ClinVar:

ClinVar aggregate classification (germline): Pathogenic (1 of 4 stars; one submission).

Conditions:
Osteogenesis imperfecta type I (OI1). Also called: Osteogenesis imperfecta type 1; Classic Non-deforming Osteogenesis Imperfecta with Blue Sclerae; Lobstein disease; Lobstein's Disease; OI, TYPE I; OSTEOGENESIS IMPERFECTA TARDA. Identifiers: Orphanet 216796, Orphanet 666, MedGen C0023931, MONDO:0008146, OMIM 166200. Disease mechanism: loss of function.

Submission:

Labcorp Genetics (formerly Invitae), Labcorp
Classification: Pathogenic for Osteogenesis imperfecta type I. Last evaluated: 2022-01-15. Review status: criteria provided, single submitter. Criteria: Invitae Variant Classification Sherloc (09022015). Collection method: clinical testing. Allele origin: germline.
Comment: For these reasons, this variant has been classified as Pathogenic. Disruption of the initiator codon has been observed in individuals with osteogenesis imperfecta (PMID: 23529829, 25696019, 31447884; Invitae). This variant is not present in population databases (gnomAD no frequency). This sequence change affects the initiator methionine of the COL1A1 mRNA. The next in-frame methionine is located at codon 181.

Literature cited by the submitters: PubMed 23529829; PubMed 25696019; PubMed 31447884.

NM_000088.4(COL1A1):c.1A>T (p.Met1Leu)

Gene: COL1A1 (collagen type I alpha 1 chain; minus strand). Cytogenetic location: 17q21.33.
Variant type: single nucleotide variant.
Coding change: c.1A>T on transcript NM_000088.4 (MANE Select); coding-DNA position 1, A replaced by T.
Protein change: p.Met1Leu; changes the start codon (methionine 1).
Molecular consequence: missense variant, initiator codon variant.
Genome position (GRCh38, 1-based): chr17:50,201,513, T>A on the plus strand (A>T on the coding strand, the complement: COL1A1 is on the minus strand). VCF-style: chr17-50201513-T-A. GRCh37 (hg19) VCF-style: chr17-48278874-T-A.
Other names: short protein forms M1L.
Identifiers: ClinVar variation 2084407 (VCV002084407.5), dbSNP rs1555575889, ClinGen allele CA400230609.